The following is an entry in ClinVar:

NM_006506.5(RASA2):c.2016+1G>A

Gene: RASA2 (RAS p21 protein activator 2; plus strand). Cytogenetic location: 3q23.
Variant type: single nucleotide variant.
Coding change: c.2016+1G>A on transcript NM_006506.5 (MANE Select); the canonical splice donor site of the intron after coding-DNA position 2016, G replaced by A.
Molecular consequence: splice donor variant.
Genome position (GRCh38, 1-based): chr3:141,607,761, G>A. VCF-style: chr3-141607761-G-A. GRCh37 (hg19) VCF-style: chr3-141326603-G-A.
Other names: c.2019+1G>A (NM_001303245.3); c.2028+1G>A (NM_001303246.3).
Identifiers: ClinVar variation 2793302 (VCV002793302.3), dbSNP rs754116774, ClinGen allele CA354773884.
Genomic context (GRCh38, chr3:141,607,761, plus strand): 5'-CCAGTAAAAAACATTCTTGCTGTGGAAAAACTGGAAGAGAGCTCTTTCAACAAGAAAAAT[G>A]TAAGTTATGTAAATAAATATTTAAAGCTTTCTGAACTGCATATATTACTTAAGTATTTGT-3'

ClinVar aggregate classification (germline): Uncertain significance (1 of 4 stars; one submission).

Allele frequency attached by ClinVar (database versions not stated): gnomAD 0.00001.
gnomAD v4.1: 3 of 1,571,244 alleles (0.00019%); highest among the groups gnomAD compares: African/African-American, 0.0014%; no homozygotes.

Submission:

Labcorp Genetics (formerly Invitae), Labcorp
Classification: Uncertain significance. Last evaluated: 2023-06-06. Review status: criteria provided, single submitter. Criteria: Invitae Variant Classification Sherloc (09022015). Collection method: clinical testing. Allele origin: germline.
Comment: In summary, the available evidence is currently insufficient to determine the role of this variant in disease. Therefore, it has been classified as a Variant of Uncertain Significance. Algorithms developed to predict the effect of sequence changes on RNA splicing suggest that this variant may disrupt the consensus splice site. This variant has not been reported in the literature in individuals affected with RASA2-related conditions. This variant is not present in population databases (gnomAD no frequency). This sequence change affects a donor splice site in intron 20 of the RASA2 gene. It is expected to disrupt RNA splicing. Variants that disrupt the donor or acceptor splice site typically lead to a loss of protein function (PMID: 16199547), however the current clinical and genetic evidence is not sufficient to establish whether loss-of-function variants in RASA2 cause disease.

Literature cited by the submitters: PubMed 16199547.